The following is an entry in ClinVar:

NM_001134831.2(AHI1):c.1683G>A (p.Val561=)

Gene: AHI1 (Abelson helper integration site 1; minus strand). Cytogenetic location: 6q23.3.
Variant type: single nucleotide variant.
Coding change: c.1683G>A on transcript NM_001134831.2 (MANE Select); coding-DNA position 1683, G replaced by A.
Protein change: p.Val561=; no amino-acid change (valine 561 retained).
Molecular consequence: synonymous variant.
Genome position (GRCh38, 1-based): chr6:135,447,104, C>T on the plus strand (G>A on the coding strand, the complement: AHI1 is on the minus strand). VCF-style: chr6-135447104-C-T. GRCh37 (hg19) VCF-style: chr6-135768242-C-T.
Other names: c.1683G>A, p.Val561= (NM_001134830.2, NM_001134832.2, NM_001350503.2 and 2 more transcripts).
Identifiers: ClinVar variation 1637127 (VCV001637127.19), dbSNP rs757056964, ClinGen allele CA4012545.
Genomic context (GRCh38, chr6:135,447,104, plus strand): 5'-TGACTCTTCTAATCCAGGTTCTGTGTCTACTGAGCTTGACTCATGGTGACGTTCACAATG[C>T]ACTGGTTTACCTTTTTCCTCCTGAAGAGCCATCATAGAGCGGTAAGATGGCTTTATCTAA-3'
Protein context (NP_001128303.1, residues 551-571): MALQEEKGKP[Val561=]HCERHHESSS

ClinVar aggregate classification (germline): Likely benign. Review status: criteria provided, multiple submitters, no conflicts (2 of 4 stars). 5 submissions from 5 submitters: Likely benign (5). Last evaluated 2025-11-18.

Conditions:
Joubert syndrome. Also called: JOUBERT-BOLTSHAUSER SYNDROME; Familial aplasia of the vermis. Identifiers: Orphanet 475, MedGen C5979921, MONDO:0018772.
Joubert syndrome 3 (JBTS3). Also called: AHI1-related Ciliopathy. Identifiers: Orphanet 220493, MedGen C1837713, MONDO:0012078, OMIM 608629.

Allele frequency attached by ClinVar (database versions not stated): TOPMed below 0.00001; ExAC 0.00001; gnomAD 0.00001; gnomAD exomes 0.00001.
gnomAD v4.1: 18 of 1,612,072 alleles (0.0011%); highest among the groups gnomAD compares: Middle Eastern, 0.05%; no homozygotes.

Submissions (5):

Labcorp Genetics (formerly Invitae), Labcorp
Classification: Likely benign for Joubert syndrome. Last evaluated: 2025-11-18. Review status: criteria provided, single submitter. Criteria: Invitae Variant Classification Sherloc (09022015). Collection method: clinical testing. Allele origin: germline.

CeGaT Center for Human Genetics Tuebingen
Classification: Likely benign. Last evaluated: 2025-08-01. Review status: criteria provided, single submitter. Criteria: CeGaT Center For Human Genetics Tuebingen Variant Classification Criteria Version 2. Collection method: clinical testing. Allele origin: germline. Affected: yes. Observed: 1 variant allele.
Comment: AHI1: BP4, BP7

Blueprint Genetics
Classification: Likely benign. Last evaluated: 2024-07-25. Review status: criteria provided, single submitter. Criteria: ACMG Guidelines, 2015. Collection method: clinical testing. Allele origin: germline.

Fulgent Genetics
Classification: Likely benign for Joubert syndrome 3. Last evaluated: 2021-08-22. Review status: criteria provided, single submitter. Criteria: ACMG Guidelines, 2015. Collection method: clinical testing. Allele origin: unknown.

Breakthrough Genomics
Classification: Likely benign. Review status: criteria provided, single submitter. Criteria: ACMG Guidelines, 2015. Collection method: not provided. Allele origin: germline. Inheritance: Autosomal recessive inheritance. Affected: yes.